The following is an entry in ClinVar:

ClinVar aggregate classification (germline): Uncertain significance (1 of 4 stars; one submission).

Allele frequency attached by ClinVar (database versions not stated): TOPMed 0.00002; gnomAD exomes below 0.00001; gnomAD 0.00001; ESP Exome Variant Server 0.00008.
gnomAD v4.1: 2 of 1,613,990 alleles (0.00012%); highest among the groups gnomAD compares: Non-Finnish European, 0.00017%; no homozygotes.

Submission:

GeneDx
Classification: Uncertain significance. Last evaluated: 2018-04-03. Review status: criteria provided, single submitter. Criteria: GeneDx Variant Classification (06012015). Collection method: clinical testing. Allele origin: germline. Affected: yes.
Comment: p.Ile384Met (ATC>ATG): c.1152 C>G in exon 8 of the DLAT gene (NM_001931.4). The I384M missense substitution has not been published as a mutation, nor has it been reported as a benign polymorphism to our knowledge. The amino acid change is conservative as Isoleucine and Methionine are uncharged, non-polar amino acids. This change occurs at a conserved position in the DLAT protein. Multiple in-silico analysis programs predict that I384M is damaging to the DLAT protein. Therefore, based on the currently available information, it is unclear whether I384M is a disease-causing mutation or a rare benign variant. The variant is found in MITONUC-MITOP panel(s).

NM_001931.5(DLAT):c.1152C>G (p.Ile384Met)

Gene: DLAT (dihydrolipoamide S-acetyltransferase; plus strand). Cytogenetic location: 11q23.1.
Variant type: single nucleotide variant.
Coding change: c.1152C>G on transcript NM_001931.5 (MANE Select); coding-DNA position 1152, C replaced by G.
Protein change: p.Ile384Met; replaces isoleucine 384 with methionine.
Molecular consequence: missense variant. On other transcripts: non-coding transcript variant (1).
Genome position (GRCh38, 1-based): chr11:112,043,488, C>G. VCF-style: chr11-112043488-C-G. GRCh37 (hg19) VCF-style: chr11-111914212-C-G.
Other names: p.I384M:ATC>ATG; c.1152C>G, p.Ile384Met (NM_001372031.1, NM_001372033.1, NM_001372035.1); c.1146C>G, p.Ile382Met (NM_001372032.1); c.1119C>G, p.Ile373Met (NM_001372034.1); c.1026C>G, p.Ile342Met (NM_001372036.1); c.984C>G, p.Ile328Met (NM_001372037.1); c.873C>G, p.Ile291Met (NM_001372038.1); c.837C>G, p.Ile279Met (NM_001372039.1, NM_001372041.1); and 2 more; short protein forms I384M, I230M, I279M, I328M, I342M, I257M, I291M, I373M.
Identifiers: ClinVar variation 214295 (VCV000214295.2), dbSNP rs147992445, ClinGen allele CA323307.